The following is an entry in ClinVar:

NM_170707.4(LMNA):c.1941C>T (p.Leu647=)

Gene: LMNA (lamin A/C; plus strand). Cytogenetic location: 1q22.
Variant type: single nucleotide variant.
Coding change: c.1941C>T on transcript NM_170707.4 (MANE Select); coding-DNA position 1941, C replaced by T.
Protein change: p.Leu647=; no amino-acid change (leucine 647 retained).
Molecular consequence: synonymous variant. On other transcripts: intron variant (1).
Genome position (GRCh38, 1-based): chr1:156,138,730, C>T. VCF-style: chr1-156138730-C-T. GRCh37 (hg19) VCF-style: chr1-156108521-C-T.
Other names: c.1605C>T, p.Leu535= (NM_001257374.3); c.1851C>T, p.Leu617= (NM_170708.4); c.1818+123C>T (NM_001282626.2).
Identifiers: ClinVar variation 749662 (VCV000749662.13), dbSNP rs984562109, ClinGen allele CA31015702.
Genomic context (GRCh38, chr1:156,138,730, plus strand): 5'-CAGTGTGGGGGGCAGTGGGGGTGGCAGCTTCGGGGACAATCTGGTCACCCGCTCCTACCT[C>T]CTGGGCAACTCCAGCCCCCGAACCCAGGTGAGTTGTCTCTGCTTTGTCTCCAAATCCTGC-3'
Protein context (NP_733821.1, residues 637-657): FGDNLVTRSY[Leu647=]LGNSSPRTQS

ClinVar aggregate classification (germline): Likely benign. Review status: criteria provided, multiple submitters, no conflicts (2 of 4 stars). 4 submissions from 4 submitters: Likely benign (3). 1 of the submissions does not count toward it. Last evaluated 2026-01-06.

Conditions:
LMNA-related disorder. Also called: LMNA-related condition; LMNA-related disease; LMNA-related disorders. Identifiers: MedGen CN380145.
Cardiomyopathy (CMYO). Also called: Cardiomyopathies. Identifiers: Orphanet 167848, MedGen C0878544, MONDO:0004994, HP:0001638. Inheritance: Various modes of inheritance.
Cardiovascular phenotype. Identifiers: MedGen CN230736.
Charcot-Marie-Tooth disease type 2. Also called: Charcot-Marie-Tooth type 2. Identifiers: Orphanet 64746, MedGen C0270914, MONDO:0018993.

Allele frequency attached by ClinVar (database versions not stated): TOPMed below 0.00001; gnomAD exomes 0.00001.
gnomAD v4.1: 14 of 1,613,576 alleles (0.00087%); highest among the groups gnomAD compares: Non-Finnish European, 0.0012%; no homozygotes.

Submissions (4):

Labcorp Genetics (formerly Invitae), Labcorp
Classification: Likely benign for Charcot-Marie-Tooth disease type 2. Last evaluated: 2026-01-06. Review status: criteria provided, single submitter. Criteria: Invitae Variant Classification Sherloc (09022015). Collection method: clinical testing. Allele origin: germline.

Ambry Genetics
Classification: Likely benign for Cardiovascular phenotype. Last evaluated: 2023-09-11. Review status: criteria provided, single submitter. Criteria: Ambry Variant Classification Scheme 2023. Collection method: clinical testing. Allele origin: germline.

Color Diagnostics, LLC DBA Color Health
Classification: Likely benign for Cardiomyopathy. Last evaluated: 2021-02-18. Review status: criteria provided, single submitter. Criteria: ACMG Guidelines, 2015. Collection method: clinical testing. Allele origin: germline.

PreventionGenetics, part of Exact Sciences
Classification: Likely benign for LMNA-related condition. Last evaluated: 2021-03-24. Review status: no assertion criteria provided. Collection method: clinical testing. Allele origin: germline. Not counted in ClinVar's aggregate classification.
Comment: This variant is classified as likely benign based on ACMG/AMP sequence variant interpretation guidelines (Richards et al. 2015 PMID: 25741868, with internal and published modifications).